The following is an entry in ClinVar:

NM_001042492.3(NF1):c.2044C>G (p.Gln682Glu)

Gene: NF1 (neurofibromin 1; plus strand). Cytogenetic location: 17q11.2.
Variant type: single nucleotide variant.
Coding change: c.2044C>G on transcript NM_001042492.3 (MANE Select); coding-DNA position 2044, C replaced by G.
Protein change: p.Gln682Glu; replaces glutamine 682 with glutamic acid.
Molecular consequence: missense variant.
Genome position (GRCh38, 1-based): chr17:31,226,477, C>G. VCF-style: chr17-31226477-C-G. GRCh37 (hg19) VCF-style: chr17-29553495-C-G.
Other names: c.2044C>G, p.Gln682Glu (NM_000267.4); short protein forms Q682E.
Identifiers: ClinVar variation 2452306 (VCV002452306.2), dbSNP rs1597712392, ClinGen allele CA398982068.

ClinVar aggregate classification (germline): Uncertain significance (1 of 4 stars; one submission).

Conditions:
Hereditary cancer-predisposing syndrome. Also called: Neoplastic Syndromes, Hereditary; Tumor predisposition; Hereditary neoplastic syndrome; Hereditary Cancer Syndrome. Identifiers: Orphanet 140162, MedGen C0027672, MeSH D009386, MONDO:0015356.
Cardiovascular phenotype. Identifiers: MedGen CN230736.

Submission:

Ambry Genetics
Classification: Uncertain significance for Cardiovascular phenotype; Hereditary cancer-predisposing syndrome. Last evaluated: 2023-02-22. Review status: criteria provided, single submitter. Criteria: Ambry Variant Classification Scheme 2023. Collection method: clinical testing. Allele origin: germline.
Comment: The p.Q682E variant (also known as c.2044C>G), located in coding exon 18 of the NF1 gene, results from a C to G substitution at nucleotide position 2044. The glutamine at codon 682 is replaced by glutamic acid, an amino acid with highly similar properties. This amino acid position is highly conserved in available vertebrate species. In addition, the in silico prediction for this alteration is inconclusive. Since supporting evidence is limited at this time, the clinical significance of this alteration remains unclear.